The following is an entry in ClinVar:

NM_006591.3(POLD3):c.449C>T (p.Ser150Leu)

Gene: POLD3 (DNA polymerase delta 3, accessory subunit; plus strand). Cytogenetic location: 11q13.4.
Variant type: single nucleotide variant.
Coding change: c.449C>T on transcript NM_006591.3 (MANE Select); coding-DNA position 449, C replaced by T.
Protein change: p.Ser150Leu; replaces serine 150 with leucine.
Molecular consequence: missense variant. On other transcripts: non-coding transcript variant (2).
Genome position (GRCh38, 1-based): chr11:74,618,593, C>T. VCF-style: chr11-74618593-C-T. GRCh37 (hg19) VCF-style: chr11-74329638-C-T.
Other names: c.332C>T, p.Ser111Leu (NM_001363597.2); short protein forms S111L, S150L.
Identifiers: ClinVar variation 785370 (VCV000785370.6), dbSNP rs116112251, ClinGen allele CA6185175.

ClinVar aggregate classification (germline): Benign. Review status: criteria provided, multiple submitters, no conflicts (2 of 4 stars). 3 submissions from 3 submitters: Benign (2). 1 of the submissions does not count toward it. Last evaluated 2018-05-16.

Conditions:
POLD3-related disorder. Also called: POLD3-related condition.

Allele frequency attached by ClinVar (database versions not stated): gnomAD 0.00389 and 0.00415; TOPMed 0.00431; ESP Exome Variant Server 0.00339; 1000 Genomes Project 30x 0.00531; 1000 Genomes Project 0.00559; ExAC 0.00115.
gnomAD v4.1: 1,130 of 1,613,568 alleles (0.07%); highest among the groups gnomAD compares: African/African-American, 1.3%; 4 homozygotes.

Submissions (3):

Labcorp Genetics (formerly Invitae), Labcorp
Classification: Benign. Last evaluated: 2018-05-16. Review status: criteria provided, single submitter. Criteria: Invitae Variant Classification Sherloc (09022015). Collection method: clinical testing. Allele origin: germline.

Breakthrough Genomics
Classification: Benign. Review status: criteria provided, single submitter. Criteria: ACMG Guidelines, 2015. Collection method: not provided. Allele origin: germline. Inheritance: Unknown mechanism. Affected: yes.

PreventionGenetics, part of Exact Sciences
Classification: Benign for POLD3-related condition. Last evaluated: 2019-07-30. Review status: no assertion criteria provided. Collection method: clinical testing. Allele origin: germline. Not counted in ClinVar's aggregate classification.
Comment: This variant is classified as benign based on ACMG/AMP sequence variant interpretation guidelines (Richards et al. 2015 PMID: 25741868, with internal and published modifications).